The following is an entry in ClinVar:

NM_001164508.2(NEB):c.22939A>T (p.Lys7647Ter)

Genes: NEB (nebulin; minus strand), RIF1 (replication timing regulatory factor 1; plus strand). Cytogenetic location: 2q23.3.
Variant type: single nucleotide variant.
Coding change: c.22939A>T on transcript NM_001164508.2 (MANE Select); coding-DNA position 22939, A replaced by T.
Protein change: p.Lys7647Ter; replaces lysine 7647 with a stop codon.
Molecular consequence: nonsense.
Genome position (GRCh38, 1-based): chr2:151,514,895, T>A on the plus strand (A>T on the coding strand, the complement: NEB is on the minus strand). VCF-style: chr2-151514895-T-A. GRCh37 (hg19) VCF-style: chr2-152371409-T-A.
Other names: c.22939A>T, p.Lys7647Ter (NM_001164507.2); c.23044A>T, p.Lys7682Ter (NM_001271208.2); c.17836A>T, p.Lys5946Ter (NM_004543.5); short protein forms K5946*, K7647*, K7682*.
Identifiers: ClinVar variation 1724069 (VCV001724069.2), dbSNP rs2552081224, ClinGen allele CA348754578.

ClinVar aggregate classification (germline): Likely pathogenic (1 of 4 stars; one submission).

Conditions:
Nemaline myopathy 2 (NEM2). Also called: Nemaline myopathy 2, autosomal recessive. Identifiers: MedGen C1850569, MONDO:0009725, OMIM 256030.

Submission:

Myriad Genetics, Inc.
Classification: Likely pathogenic for Nemaline myopathy 2. Last evaluated: 2022-01-24. Review status: criteria provided, single submitter. Criteria: Myriad Women's Health Autosomal Recessive and X-Linked Classification Criteria (2021). Collection method: clinical testing. Allele origin: unknown.
Comment: NM_001271208.1(NEB):c.23044A>T(K7682*) is expected to be pathogenic in the context of NEB-related nemaline myopathy. This variant is predicted to lead to an abnormal or absent protein product due to the creation of a premature termination codon in NEB, a gene where loss-of-function variants are known to be pathogenic. Please note: this variant was assessed in the context of healthy population screening.